The following is an entry in ClinVar:

ClinVar aggregate classification (germline): Uncertain significance (1 of 4 stars; one submission).

Submission:

GeneDx
Classification: Uncertain significance. Last evaluated: 2024-11-26. Review status: criteria provided, single submitter. Criteria: GeneDx Variant Classification Process June 2021. Collection method: clinical testing. Allele origin: germline. Affected: yes.
Comment: Not observed at significant frequency in large population cohorts (gnomAD); In silico analysis indicates that this missense variant does not alter protein structure/function; Has not been previously published as pathogenic or benign to our knowledge

NM_016284.5(CNOT1):c.5887C>A (p.Leu1963Met)

Gene: CNOT1 (CCR4-NOT transcription complex subunit 1; minus strand). Cytogenetic location: 16q21.
Variant type: single nucleotide variant.
Coding change: c.5887C>A on transcript NM_016284.5 (MANE Select); coding-DNA position 5887, C replaced by A.
Protein change: p.Leu1963Met; replaces leucine 1963 with methionine.
Molecular consequence: missense variant. On other transcripts: non-coding transcript variant (1).
Genome position (GRCh38, 1-based): chr16:58,534,155, G>T on the plus strand (C>A on the coding strand, the complement: CNOT1 is on the minus strand). VCF-style: chr16-58534155-G-T. GRCh37 (hg19) VCF-style: chr16-58568059-G-T.
Other names: c.5872C>A, p.Leu1958Met (NM_001265612.2); short protein forms L1958M, L1963M.
Identifiers: ClinVar variation 3900595 (VCV003900595.1).